The following is an entry in ClinVar:

ClinVar aggregate classification (germline): Likely benign. Review status: criteria provided, multiple submitters, no conflicts (2 of 4 stars). 2 submissions from 2 submitters: Likely benign (2). Last evaluated 2025-06-01.

Conditions:
Familial meningioma. Also called: Meningioma, familial, susceptibility to. Identifiers: Orphanet 263662, MedGen C3551915, MONDO:0011789, OMIM 607174.

Submissions (2):

CeGaT Center for Human Genetics Tuebingen
Classification: Likely benign. Last evaluated: 2025-06-01. Review status: criteria provided, single submitter. Criteria: CeGaT Center For Human Genetics Tuebingen Variant Classification Criteria Version 2. Collection method: clinical testing. Allele origin: germline. Affected: yes. Observed: 1 variant allele.
Comment: SMARCE1: PM2:Supporting, BP4, BP7

Labcorp Genetics (formerly Invitae), Labcorp
Classification: Likely benign for Familial meningioma. Last evaluated: 2024-09-23. Review status: criteria provided, single submitter. Criteria: Invitae Variant Classification Sherloc (09022015). Collection method: clinical testing. Allele origin: germline.

NM_003079.5(SMARCE1):c.621T>A (p.Leu207=)

Gene: SMARCE1 (SWI/SNF related BAF chromatin remodeling complex subunit E1; minus strand). Cytogenetic location: 17q21.2.
Variant type: single nucleotide variant.
Coding change: c.621T>A on transcript NM_003079.5 (MANE Select); coding-DNA position 621, T replaced by A.
Protein change: p.Leu207=; no amino-acid change (leucine 207 retained).
Molecular consequence: synonymous variant.
Genome position (GRCh38, 1-based): chr17:40,632,288, A>T on the plus strand (T>A on the coding strand, the complement: SMARCE1 is on the minus strand). VCF-style: chr17-40632288-A-T. GRCh37 (hg19) VCF-style: chr17-38788540-A-T.
Identifiers: ClinVar variation 2987808 (VCV002987808.13), dbSNP rs2508598429, ClinGen allele CA499964111.